The following is an entry in ClinVar:

ClinVar aggregate classification (germline): Likely pathogenic (1 of 4 stars; one submission).

gnomAD v4.1: 1 of 1,612,316 alleles (0.000062%); highest among the groups gnomAD compares: Non-Finnish European, 0.000085%; no homozygotes.

Submission:

Labcorp Genetics (formerly Invitae), Labcorp
Classification: Likely pathogenic. Last evaluated: 2022-04-28. Review status: criteria provided, single submitter. Criteria: Invitae Variant Classification Sherloc (09022015). Collection method: clinical testing. Allele origin: germline.
Comment: In summary, the currently available evidence indicates that the variant is pathogenic, but additional data are needed to prove that conclusively. Therefore, this variant has been classified as Likely Pathogenic. Algorithms developed to predict the effect of sequence changes on RNA splicing suggest that this variant may disrupt the consensus splice site. Disruption of this splice site has been observed in individual(s) with autosomal recessive focal hyperinsulinism (PMID: 30386300, 32027066). This variant is not present in population databases (gnomAD no frequency). This sequence change affects an acceptor splice site in intron 13 of the ABCC8 gene. It is expected to disrupt RNA splicing. Variants that disrupt the donor or acceptor splice site typically lead to a loss of protein function (PMID: 16199547), and loss-of-function variants in ABCC8 are known to be pathogenic (PMID: 20685672, 23345197).

Literature cited by the submitters: PubMed 30386300; PubMed 32027066; PubMed 16199547; PubMed 20685672; PubMed 23345197.

NM_000352.6(ABCC8):c.1924-2A>G

Gene: ABCC8 (ATP binding cassette subfamily C member 8; minus strand). Cytogenetic location: 11p15.1.
Variant type: single nucleotide variant.
Coding change: c.1924-2A>G on transcript NM_000352.6 (MANE Select); the canonical splice acceptor site of the intron before coding-DNA position 1924, A replaced by G.
Molecular consequence: splice acceptor variant. On other transcripts: missense variant (1).
Genome position (GRCh38, 1-based): chr11:17,428,407, T>C on the plus strand (A>G on the coding strand, the complement: ABCC8 is on the minus strand). VCF-style: chr11-17428407-T-C. GRCh37 (hg19) VCF-style: chr11-17449954-T-C.
Other names: c.1988A>G, p.Gln663Arg (NM_001351295.2); c.1921-2A>G (NM_001351297.2, NM_001351296.2); c.1924-2A>G (NM_001287174.3); short protein forms Q663R.
Identifiers: ClinVar variation 2131508 (VCV002131508.4), dbSNP rs2496668989, ClinGen allele CA379815476.